The following is an entry in ClinVar:

ClinVar aggregate classification (germline): Pathogenic/Likely pathogenic. Review status: criteria provided, multiple submitters, no conflicts (2 of 4 stars). 7 submissions from 7 submitters: Pathogenic (3); Likely pathogenic (3). 1 of the submissions does not count toward it. Last evaluated 2025-12-18.

Conditions:
Pseudohypoparathyroidism type I A (PHP1A). Also called: Pseudohypoparathyroidism Ia (PHP-Ia); Pseudohypoparathyroidism Type IA; PHP IA; ALBRIGHT HEREDITARY OSTEODYSTROPHY WITH MULTIPLE HORMONE RESISTANCE; Pseudohypoparathyroidism type 1A. Identifiers: Orphanet 79443, MedGen C3494506, MONDO:0007078, OMIM 103580.
GNAS-related disorder. Identifiers: MedGen CN380105.
Pseudopseudohypoparathyroidism (PPHP). Also called: ALBRIGHT HEREDITARY OSTEODYSTROPHY WITHOUT MULTIPLE HORMONE RESISTANCE; Pseudopseudohypoparathyroidism (PPHP). Identifiers: Orphanet 79445, MedGen C0033835, MONDO:0012912, OMIM 612463.
Pseudohypoparathyroidism type 1B (PHP1B). Also called: Pseudohypoparathyroidism Type IB; Pseudohypoparathyroidism Ib (PHP-Ib); PHP IB. Identifiers: Orphanet 94089, MedGen C1864100, MONDO:0011301, OMIM 603233.
McCune-Albright syndrome (MAS). Also called: McCune-Albright syndrome, somatic, mosaic; Fibrous Dysplasia / McCune-Albright Syndrome; ALBRIGHT SYNDROME; Albright's Syndrome; Albright's disease. Identifiers: Orphanet 562, MedGen C0242292, MONDO:0018919, OMIM 174800.

Submissions (7):

GeneDx
Classification: Pathogenic. Last evaluated: 2025-12-18. Review status: criteria provided, single submitter. Criteria: GeneDx Variant Classification Process June 2021. Collection method: clinical testing. Allele origin: germline. Affected: yes.
Comment: In-frame insertion of 1 amino acids in a non-repeat region; Not observed at significant frequency in large population cohorts (gnomAD); This variant is associated with the following publications: (PMID: 31886927, 11926205, 35599849, 36213284, 25219572, 23533243, 29059381)

Human Genetics Bochum, Ruhr University Bochum
Classification: Pathogenic for Pseudopseudohypoparathyroidism. Last evaluated: 2025-11-24. Review status: criteria provided, single submitter. Criteria: ACMG Guidelines, 2015. Collection method: clinical testing. Allele origin: germline. Affected: yes.
Comment: ACMG criteria used to clasify this variant: PS4, PM1, PM4, PM2_SUP, PP4

CeGaT Center for Human Genetics Tuebingen
Classification: Likely pathogenic. Last evaluated: 2025-10-01. Review status: criteria provided, single submitter. Criteria: CeGaT Center For Human Genetics Tuebingen Variant Classification Criteria Version 2. Collection method: clinical testing. Allele origin: germline. Affected: yes. Observed: 1 variant allele.
Comment: GNAS: PM2, PM6, PS4:Moderate, PM4:Supporting

PreventionGenetics, part of Exact Sciences
Classification: Likely pathogenic for GNAS-related condition. Last evaluated: 2024-12-13. Review status: criteria provided, single submitter. Criteria: ACMG Guidelines, 2015. Collection method: clinical testing. Allele origin: germline.
Comment: The GNAS c.136_138dupCTG variant is predicted to result in an in-frame duplication (p.Leu46dup). This variant has been reported in patients with pseudohypoparathyroidism 1a (Lim et al. 2002. PubMed ID: 11926205; Fernandez-Rebollo et al. 2013. PubMed ID: 23533243; Salemi et al. 2018. PubMed ID: 29059381), including one patient in whom the variant occurred de novo (Proband 5, Lim et al. 2002. PubMed ID: 11926205). This variant has not been reported in a large population database, indicating this variant is rare. However, this variant falls within a highly paralogous region and allele frequency data should be interpreted with caution. This variant is classified as pathogenic in ClinVar. Taken together, this variant is interpreted as likely pathogenic.

Suzhou Clinical Center for Rare Diseases in Children, Children's Hospital of Soochow University
Classification: Likely pathogenic for Pseudohypoparathyroidism type I A. Last evaluated: 2024-09-01. Review status: criteria provided, single submitter. Criteria: ACMG Guidelines, 2015. Collection method: clinical testing. Allele origin: de novo. Affected: yes.
Comment: The NM_000516.7:c.136_138dup (p.Leu46dup) variant of GNAS has not been included in the gnomAD database (PM2_Supporting). It is an insertion that results in a change in protein length, but does not alter the open reading frame (PM4). Literature reports indicate that this variant was detected as a de novo mutation in one patient with pseudohypoparathyroidism (PMID:11926205). Additionally, the variant has been identified in multiple cases (5 cases) of pseudohypoparathyroidism (PMID:29059381, 25219572, 36213284, 23533243, 11926205)(PS4_Moderate). According to the ACMG guidelines, this variant is classified as likely pathogenic (PM2_Supporting+PM4+PM6_Strong+PP4+PS4_Moderate).

Labcorp Genetics (formerly Invitae), Labcorp
Classification: Pathogenic. Last evaluated: 2023-01-20. Review status: criteria provided, single submitter. Criteria: Invitae Variant Classification Sherloc (09022015). Collection method: clinical testing. Allele origin: germline.
Comment: For these reasons, this variant has been classified as Pathogenic. This variant is also known as c.139insCTG. This variant has been observed in individual(s) with pseudohypoparathyroidism type 1a (PMID: 11926205, 23533243, 29059381). In at least one individual the variant was observed to be de novo. This variant is not present in population databases (gnomAD no frequency). This variant, c.136_138dup, results in the insertion of 1 amino acid(s) of the GNAS protein (p.Leu46dup), but otherwise preserves the integrity of the reading frame.

Molecular Genetics Laboratory, BC Children's and BC Women's Hospitals
Classification: Pathogenic for GNAS-related disorder. Last evaluated: 2018-08-21. Review status: no assertion criteria provided. Criteria: ACMG Guidelines, 2015. Collection method: clinical testing. Allele origin: de novo. Affected: yes. Not counted in ClinVar's aggregate classification.

Literature cited by the submitters: PubMed 11926205 (cited by Labcorp Genetics (formerly Invitae), Labcorp); PubMed 23533243 (cited by Labcorp Genetics (formerly Invitae), Labcorp); PubMed 29059381 (cited by Labcorp Genetics (formerly Invitae), Labcorp).

NM_000516.7(GNAS):c.127CTG[5] (p.Leu46dup)

Gene: GNAS (GNAS complex locus; plus strand). Cytogenetic location: 20q13.32.
Variant type: Microsatellite.
Coding change: c.127CTG[5] on transcript NM_000516.7 (MANE Select); five copies in a row of the 3-base unit CTG starting at c.127; the reference has four copies in a row; one copy, 3 bases duplicated; also written c.136_138dup.
Protein change: p.Leu46dup; duplicates leucine 46.
Molecular consequence: inframe insertion. On other transcripts: intron variant (6).
Genome position (GRCh38, 1-based): chr20:58,891,862-58,891,864, CTG duplicated; duplicating any 3 consecutive bases within chr20:58,891,853-58,891,864 gives the same sequence; the position shown is the placement nearest the transcript's 3' end. VCF-style (leftmost placement, unchanged base first): chr20-58891852-C-CCTG. GRCh37 (hg19) VCF-style: chr20-57466907-C-CCTG.
Other names: c.136_138dupCTG (NM_000516.4, NM_000516.5); c.136_138dup (NM_000516.7, NM_000516.5); c.127CTG[5], p.Leu46dup (NM_001077488.5, NM_001077489.4, NM_001309842.2 and 1 more transcripts); c.*43-3759CTG[5] (NM_016592.5); c.-38-3759CTG[5] (NM_001309861.2); c.*1-3759CTG[5] (NM_001077490.3); c.2069-3759CTG[5] (NM_080425.4); c.*159-3759CTG[5] (NM_001309883.1); and 1 more.
Identifiers: ClinVar variation 625528 (VCV000625528.21), dbSNP rs774711025, ClinGen allele CA913190923.
Genomic context (GRCh38, chr20:58,891,852, plus strand): 5'-CAACAAAAAGATCGAGAAGCAGCTGCAGAAGGACAAGCAGGTCTACCGGGCCACGCACCG[C>CCTG]CTGCTGCTGCTGGGTAAGGGCGGGCGGGGGGCGCCGGCCCCGGCCCGGGGGCCCTCGAAG-3'